The following is an entry in ClinVar:

ClinVar aggregate classification (germline): Benign. Review status: criteria provided, multiple submitters, no conflicts (2 of 4 stars). 3 submissions from 3 submitters: Benign (3). Last evaluated 2026-01-26.

Allele frequency attached by ClinVar (database versions not stated): gnomAD exomes 0.00099 and 0.00296; ExAC 0.00354; 1000 Genomes Project 0.00719; 1000 Genomes Project 30x 0.00828; gnomAD 0.01095 and 0.01189; TOPMed 0.01232; ESP Exome Variant Server 0.01379.
gnomAD v4.1: 3,121 of 1,589,298 alleles (0.2%); highest among the groups gnomAD compares: African/African-American, 3.9%; 61 homozygotes.

Submissions (9):

Labcorp Genetics (formerly Invitae), Labcorp
Classification: Benign. Last evaluated: 2026-01-26. Review status: criteria provided, single submitter. Criteria: Invitae Variant Classification Sherloc (09022015). Collection method: clinical testing. Allele origin: germline.

Mayo Clinic Laboratories, Mayo Clinic
Classification: Benign. Last evaluated: 2025-05-20. Review status: criteria provided, single submitter. Criteria: ACMG Guidelines, 2015. Collection method: clinical testing. Allele origin: germline. Observed: 4 variant alleles.
Comment: BA1, BP4, BP7

GeneDx
Classification: Benign. Last evaluated: 2016-03-30. Review status: criteria provided, single submitter. Criteria: GeneDx Variant Classification (06012015). Collection method: clinical testing. Allele origin: germline. Affected: yes.
Comment: This variant is considered likely benign or benign based on one or more of the following criteria: it is a conservative change, it occurs at a poorly conserved position in the protein, it is predicted to be benign by multiple in silico algorithms, and/or has population frequency not consistent with disease.

Dr. Peter K. Rogan Lab, Western University
No classification provided (evidence only). Condition: Clear cell carcinoma of kidney. Review status: no classification provided. Collection method: in vitro. Allele origin: not applicable. Functional consequence: retained intron. Not counted in ClinVar's aggregate classification.

Dr. Peter K. Rogan Lab, Western University
No classification provided (evidence only). Condition: Acute myeloid leukemia. Review status: no classification provided. Collection method: in vitro. Allele origin: not applicable. Functional consequence: retained intron. Not counted in ClinVar's aggregate classification.

Dr. Peter K. Rogan Lab, Western University
No classification provided (evidence only). Condition: Acute myeloid leukemia. Review status: no classification provided. Collection method: in vitro. Allele origin: not applicable. Functional consequence: skipped exon, retained intron. Not counted in ClinVar's aggregate classification.

Dr. Peter K. Rogan Lab, Western University
No classification provided (evidence only). Condition: Colon adenocarcinoma. Review status: no classification provided. Collection method: in vitro. Allele origin: not applicable. Functional consequence: skipped exon. Not counted in ClinVar's aggregate classification.

Dr. Peter K. Rogan Lab, Western University
No classification provided (evidence only). Condition: Gastric cancer. Review status: no classification provided. Collection method: in vitro. Allele origin: not applicable. Functional consequence: retained intron. Not counted in ClinVar's aggregate classification.

Dr. Peter K. Rogan Lab, Western University
No classification provided (evidence only). Condition: Gastric cancer. Review status: no classification provided. Collection method: in vitro. Allele origin: not applicable. Functional consequence: retained intron. Not counted in ClinVar's aggregate classification.

NM_024678.6(NARS2):c.252-3T>A

Gene: NARS2 (asparaginyl-tRNA synthetase 2, mitochondrial; minus strand). Cytogenetic location: 11q14.1.
Variant type: single nucleotide variant.
Coding change: c.252-3T>A on transcript NM_024678.6 (MANE Select); 3 bases into the intron before coding-DNA position 252, T replaced by A.
Molecular consequence: intron variant.
Genome position (GRCh38, 1-based): chr11:78,568,755, A>T on the plus strand (T>A on the coding strand, the complement: NARS2 is on the minus strand). VCF-style: chr11-78568755-A-T. GRCh37 (hg19) VCF-style: chr11-78279801-A-T.
Other names: p.?; c.-430-3T>A (NM_001243251.2).
Identifiers: ClinVar variation 381427 (VCV000381427.13), dbSNP rs116113565, ClinGen allele CA6205897.
Genomic context (GRCh38, chr11:78,568,755, plus strand): 5'-GGATGGACTTTTTATCAGCTGCCCTTGTACTTCCACAGAACTCCCAAAATTTAATTCTCT[A>T]TAGTAACAAAAAACAAGATAAACAAGATATCATTATATACAACCTTCATTTTAATATCAA-3'